The following is an entry in ClinVar:

ClinVar aggregate classification (germline): Uncertain significance. Review status: criteria provided, multiple submitters, no conflicts (2 of 4 stars). 3 submissions from 3 submitters: Uncertain significance (3). Last evaluated 2023-08-02.

Conditions:
Neuronal ceroid lipofuscinosis 7 (CLN7). Also called: MFSD8-Related Neuronal Ceroid-Lipofuscinosis. Identifiers: Orphanet 168491, Orphanet 228366, MedGen C1838571, MONDO:0012588, OMIM 610951.

Allele frequency attached by ClinVar (database versions not stated): gnomAD exomes below 0.00001 and 0.00002; TOPMed below 0.00001; ExAC 0.00001; gnomAD 0.00001.
gnomAD v4.1: 25 of 1,613,336 alleles (0.0015%); highest among the groups gnomAD compares: Non-Finnish European, 0.002%; no homozygotes.

Submissions (3):

Blueprint Genetics
Classification: Uncertain significance. Last evaluated: 2023-08-02. Review status: criteria provided, single submitter. Criteria: ACMG Guidelines, 2015. Collection method: clinical testing. Allele origin: germline.

Labcorp Genetics (formerly Invitae), Labcorp
Classification: Uncertain significance for Neuronal ceroid lipofuscinosis 7. Last evaluated: 2022-08-06. Review status: criteria provided, single submitter. Criteria: Invitae Variant Classification Sherloc (09022015). Collection method: clinical testing. Allele origin: germline.
Comment: This sequence change replaces leucine, which is neutral and non-polar, with valine, which is neutral and non-polar, at codon 280 of the MFSD8 protein (p.Leu280Val). This variant is present in population databases (rs749001842, gnomAD 0.0009%). This variant has not been reported in the literature in individuals affected with MFSD8-related conditions. ClinVar contains an entry for this variant (Variation ID: 1339643). Algorithms developed to predict the effect of missense changes on protein structure and function are either unavailable or do not agree on the potential impact of this missense change (SIFT: "Tolerated"; PolyPhen-2: "Probably Damaging"; Align-GVGD: "Class C0"). In summary, the available evidence is currently insufficient to determine the role of this variant in disease. Therefore, it has been classified as a Variant of Uncertain Significance.

GeneDx
Classification: Uncertain significance. Last evaluated: 2022-01-11. Review status: criteria provided, single submitter. Criteria: GeneDx Variant Classification Process June 2021. Collection method: clinical testing. Allele origin: germline. Affected: yes.
Comment: Not observed at significant frequency in large population cohorts (gnomAD); In silico analysis supports that this missense variant does not alter protein structure/function; Has not been previously published as pathogenic or benign to our knowledge

NM_001371596.2(MFSD8):c.838C>G (p.Leu280Val)

Gene: MFSD8 (major facilitator superfamily domain containing 8; minus strand). Cytogenetic location: 4q28.2.
Variant type: single nucleotide variant.
Coding change: c.838C>G on transcript NM_001371596.2 (MANE Select); coding-DNA position 838, C replaced by G.
Protein change: p.Leu280Val; replaces leucine 280 with valine.
Molecular consequence: missense variant.
Genome position (GRCh38, 1-based): chr4:127,933,010, G>C on the plus strand (C>G on the coding strand, the complement: MFSD8 is on the minus strand). VCF-style: chr4-127933010-G-C. GRCh37 (hg19) VCF-style: chr4-128854165-G-C.
Other names: c.637C>G, p.Leu213Val (NM_001363520.3); c.523C>G, p.Leu175Val (NM_001363521.3); c.703C>G, p.Leu235Val (NM_001371590.2); c.838C>G, p.Leu280Val (NM_001371591.2, NM_152778.4); c.844C>G, p.Leu282Val (NM_001371592.2); c.724C>G, p.Leu242Val (NM_001371593.2, NM_001410766.1); c.691C>G, p.Leu231Val (NM_001371594.2); c.556C>G, p.Leu186Val (NM_001371595.1); and 1 more; short protein forms L175V, L186V, L213V, L231V, L235V, L242V, L280V, L282V.
Identifiers: ClinVar variation 1339643 (VCV001339643.6), dbSNP rs749001842, ClinGen allele CA3077363.